The following is an entry in ClinVar:

NM_001377540.1(SLMAP):c.2158G>A (p.Glu720Lys)

Gene: SLMAP (sarcolemma associated protein; plus strand). Cytogenetic location: 3p14.3.
Variant type: single nucleotide variant.
Coding change: c.2158G>A on transcript NM_001377540.1 (MANE Select); coding-DNA position 2158, G replaced by A.
Protein change: p.Glu720Lys; replaces glutamic acid 720 with lysine.
Molecular consequence: missense variant. On other transcripts: non-coding transcript variant (1).
Genome position (GRCh38, 1-based): chr3:57,916,925, G>A. VCF-style: chr3-57916925-G-A. GRCh37 (hg19) VCF-style: chr3-57902652-G-A.
Other names: c.2107G>A, p.Glu703Lys (NM_001377541.1, NM_001377542.1, NM_001304420.3); c.2095G>A, p.Glu699Lys (NM_001377545.1); c.2056G>A, p.Glu686Lys (NM_001377549.1, NM_007159.5); c.2044G>A, p.Glu682Lys (NM_001377551.1, NM_001377552.1); c.2035G>A, p.Glu679Lys (NM_001377555.1); c.1993G>A, p.Glu665Lys (NM_001377557.1, NM_001377559.1, NM_001304421.2); c.1984G>A, p.Glu662Lys (NM_001377562.1, NM_001377921.1); c.709G>A, p.Glu237Lys (NM_001304422.3, NM_001311178.2); and 8 more; short protein forms E171K, E196K, E237K, E624K, E641K, E645K, E658K, E662K.
Identifiers: ClinVar variation 3607377 (VCV003607377.2).

ClinVar aggregate classification (germline): Uncertain significance (1 of 4 stars; one submission).

Conditions:
Brugada syndrome. Also called: Sudden unexplained nocturnal death syndrome; Sudden unexpected nocturnal death syndrome; Sudden Unexplained Death Syndrome; Sudden Unexplained Nocturnal Death Syndrome (SUNDS). Identifiers: Orphanet 130, MedGen C1142166, MONDO:0015263.

gnomAD v4.1: 1 of 1,613,664 alleles (0.000062%); highest among the groups gnomAD compares: Non-Finnish European, 0.000085%; no homozygotes.

Submission:

Labcorp Genetics (formerly Invitae), Labcorp
Classification: Uncertain significance for Brugada syndrome. Last evaluated: 2024-07-25. Review status: criteria provided, single submitter. Criteria: Invitae Variant Classification Sherloc (09022015). Collection method: clinical testing. Allele origin: germline.
Comment: This sequence change replaces glutamic acid, which is acidic and polar, with lysine, which is basic and polar, at codon 686 of the SLMAP protein (p.Glu686Lys). This variant is not present in population databases (gnomAD no frequency). This variant has not been reported in the literature in individuals affected with SLMAP-related conditions. An algorithm developed to predict the effect of missense changes on protein structure and function (PolyPhen-2) suggests that this variant is likely to be tolerated. In summary, the available evidence is currently insufficient to determine the role of this variant in disease. Therefore, it has been classified as a Variant of Uncertain Significance.